The following is an entry in ClinVar:

ClinVar aggregate classification (germline): Uncertain significance (1 of 4 stars; one submission).

Conditions:
Intellectual developmental disorder, autosomal recessive 68. Also called: MENTAL RETARDATION, AUTOSOMAL RECESSIVE 68. Identifiers: MedGen C4749033, MONDO:0032665, OMIM 618302.

Allele frequency attached by ClinVar (database versions not stated): gnomAD exomes below 0.00001 and 0.00001; TOPMed below 0.00001; ExAC 0.00001.
gnomAD v4.1: 13 of 1,613,788 alleles (0.00081%); highest among the groups gnomAD compares: Middle Eastern, 0.15%; no homozygotes.

Submission:

Baylor Genetics
Classification: Uncertain significance for Intellectual developmental disorder, autosomal recessive 68. Last evaluated: 2020-07-27. Review status: criteria provided, single submitter. Criteria: ACMG Guidelines, 2015. Collection method: clinical testing. Allele origin: unknown. Affected: yes.
Comment: This variant was determined to be of uncertain significance according to ACMG Guidelines, 2015 [PMID:25741868].

NM_001136035.4(TRMT1):c.814A>G (p.Thr272Ala)

Gene: TRMT1 (tRNA methyltransferase 1; minus strand). Cytogenetic location: 19p13.13.
Variant type: single nucleotide variant.
Coding change: c.814A>G on transcript NM_001136035.4 (MANE Select); coding-DNA position 814, A replaced by G.
Protein change: p.Thr272Ala; replaces threonine 272 with alanine.
Molecular consequence: missense variant.
Genome position (GRCh38, 1-based): chr19:13,112,761, T>C on the plus strand (A>G on the coding strand, the complement: TRMT1 is on the minus strand). VCF-style: chr19-13112761-T-C. GRCh37 (hg19) VCF-style: chr19-13223575-T-C.
Other names: c.814A>G, p.Thr272Ala (NM_001142554.3, NM_001351760.2, NM_017722.5); c.706A>G, p.Thr236Ala (NM_001351761.2); c.31A>G, p.Thr11Ala (NM_001351762.2); short protein forms T11A, T236A, T272A.
Identifiers: ClinVar variation 1029141 (VCV001029141.1), dbSNP rs759911177, ClinGen allele CA9237921.